The following is an entry in ClinVar:

NM_001048174.2(MUTYH):c.304+3C>T

Gene: MUTYH (mutY DNA glycosylase; minus strand). Cytogenetic location: 1p34.1.
Variant type: single nucleotide variant.
Coding change: c.304+3C>T on transcript NM_001048174.2 (MANE Select); 3 bases into the intron after coding-DNA position 304, C replaced by T.
Molecular consequence: intron variant.
Genome position (GRCh38, 1-based): chr1:45,333,282, G>A on the plus strand (C>T on the coding strand, the complement: MUTYH is on the minus strand). VCF-style: chr1-45333282-G-A. GRCh37 (hg19) VCF-style: chr1-45798954-G-A.
Other names: c.33+3C>T (NM_001350651.2, NM_001350650.2); c.28+3C>T (NM_001293192.2, NM_001293196.2); c.304+3C>T (NM_001048171.2, NM_001048173.2, NM_001293195.2); c.349+3C>T (NM_001293190.2); c.379+3C>T (NM_012222.3); c.388+3C>T (NM_001128425.2); c.307+3C>T (NM_001048172.2); c.337+3C>T (NM_001293191.2).
Identifiers: ClinVar variation 924330 (VCV000924330.4), dbSNP rs1645309819, ClinGen allele CA913187548.

ClinVar aggregate classification (germline): Uncertain significance. Review status: criteria provided, multiple submitters, no conflicts (2 of 4 stars). 2 submissions from 2 submitters: Uncertain significance (2). Last evaluated 2024-03-01.

Conditions:
Hereditary cancer-predisposing syndrome. Also called: Neoplastic Syndromes, Hereditary; Tumor predisposition; Hereditary Cancer Syndrome; Hereditary neoplastic syndrome. Identifiers: Orphanet 140162, MedGen C0027672, MeSH D009386, MONDO:0015356.
Familial adenomatous polyposis 2. Also called: Adenomas, multiple colorectal; MUTYH Polyposis; COLORECTAL ADENOMATOUS POLYPOSIS, AUTOSOMAL RECESSIVE; ADENOMAS, MULTIPLE COLORECTAL, AUTOSOMAL RECESSIVE; MUTYH-associated polyposis; MUTYH-related attenuated familial adenomatous polyposis. Identifiers: Orphanet 220460, Orphanet 247798, MedGen C3272841, MONDO:0012041, OMIM 608456.

Submissions (2):

Labcorp Genetics (formerly Invitae), Labcorp
Classification: Uncertain significance for Familial adenomatous polyposis 2. Last evaluated: 2024-03-01. Review status: criteria provided, single submitter. Criteria: Invitae Variant Classification Sherloc (09022015). Collection method: clinical testing. Allele origin: germline.
Comment: This sequence change falls in intron 4 of the MUTYH gene. It does not directly change the encoded amino acid sequence of the MUTYH protein. It affects a nucleotide within the consensus splice site. This variant is not present in population databases (gnomAD no frequency). This variant has not been reported in the literature in individuals affected with MUTYH-related conditions. ClinVar contains an entry for this variant (Variation ID: 924330). Variants that disrupt the consensus splice site are a relatively common cause of aberrant splicing (PMID: 17576681, 9536098). Algorithms developed to predict the effect of sequence changes on RNA splicing suggest that this variant is not likely to affect RNA splicing. In summary, the available evidence is currently insufficient to determine the role of this variant in disease. Therefore, it has been classified as a Variant of Uncertain Significance.

Color Diagnostics, LLC DBA Color Health
Classification: Uncertain significance for Hereditary cancer-predisposing syndrome. Last evaluated: 2019-04-29. Review status: criteria provided, single submitter. Criteria: ACMG Guidelines, 2015. Collection method: clinical testing. Allele origin: germline.

Literature cited by the submitters: PubMed 17576681 (cited by Labcorp Genetics (formerly Invitae), Labcorp); PubMed 9536098 (cited by Labcorp Genetics (formerly Invitae), Labcorp).